The following is an entry in ClinVar:

ClinVar aggregate classification (germline): Likely benign. Review status: criteria provided, single submitter (1 of 4 stars). 2 submissions from 2 submitters: Likely benign (1). 1 of the submissions does not count toward it. Last evaluated 2023-10-14.

Conditions:
Jeune thoracic dystrophy. Also called: Jeune syndrome; Infantile thoracic dystrophy; Thoracic pelvic phalangeal dystrophy; Jeune's syndrome; Chondroectodermal dysplasia-like syndrome; Short-rib thoracic dysplasia. Identifiers: Orphanet 474, MedGen C0265275, MONDO:0018770.
DYNC2H1-related disorder. Also called: DYNC2H1-related disorders; DYNC2H1-related condition. Identifiers: MedGen CN378770.

Allele frequency attached by ClinVar (database versions not stated): gnomAD exomes below 0.00001.
gnomAD v4.1: 1 of 1,613,344 alleles (0.000062%); highest among the groups gnomAD compares: Non-Finnish European, 0.000085%; no homozygotes.

Submissions (2):

Labcorp Genetics (formerly Invitae), Labcorp
Classification: Likely benign for Jeune thoracic dystrophy. Last evaluated: 2023-10-14. Review status: criteria provided, single submitter. Criteria: Invitae Variant Classification Sherloc (09022015). Collection method: clinical testing. Allele origin: germline.

PreventionGenetics, part of Exact Sciences
Classification: Likely benign for DYNC2H1-related condition. Last evaluated: 2019-03-05. Review status: no assertion criteria provided. Collection method: clinical testing. Allele origin: germline. Not counted in ClinVar's aggregate classification.
Comment: This variant is classified as likely benign based on ACMG/AMP sequence variant interpretation guidelines (Richards et al. 2015 PMID: 25741868, with internal and published modifications).

NM_001377.3(DYNC2H1):c.6975A>G (p.Arg2325=)

Gene: DYNC2H1 (dynein cytoplasmic 2 heavy chain 1; plus strand). Cytogenetic location: 11q22.3.
Variant type: single nucleotide variant.
Coding change: c.6975A>G on transcript NM_001377.3 (MANE Select); coding-DNA position 6975, A replaced by G.
Protein change: p.Arg2325=; no amino-acid change (arginine 2325 retained).
Molecular consequence: synonymous variant.
Genome position (GRCh38, 1-based): chr11:103,187,421, A>G. VCF-style: chr11-103187421-A-G. GRCh37 (hg19) VCF-style: chr11-103058150-A-G.
Other names: c.6975A>G (NM_001080463.1); c.6975A>G, p.Arg2325= (NM_001080463.2).
Identifiers: ClinVar variation 2969926 (VCV002969926.5), dbSNP rs1028812059, ClinGen allele CA227405146.